The following is an entry in ClinVar:

ClinVar aggregate classification (germline): Pathogenic. Review status: reviewed by expert panel (3 of 4 stars). 3 submissions from 3 submitters: Pathogenic (1). 2 of the submissions do not count toward it. Last evaluated 2016-09-08.

Conditions:
Hereditary breast ovarian cancer syndrome. Also called: BRCA1- and BRCA2-Associated Hereditary Breast and Ovarian Cancer; Hereditary breast and ovarian cancer syndrome; Hereditary breast and ovarian cancer syndrome (HBOC); Breast and ovarian cancer; Hereditary breast and/or ovarian cancer syndrome; Hereditary breast and ovarian cancer. Identifiers: Orphanet 145, MedGen C0677776, MeSH D061325, MONDO:0003582. Disease mechanism: loss of function.
Breast-ovarian cancer, familial, susceptibility to, 1 (BROVCA1). Also called: BRCA1 Hereditary Breast and Ovarian Cancer; OVARIAN CANCER, SUSCEPTIBILITY TO. Identifiers: Orphanet 145, MedGen C2676676, MONDO:0011450, OMIM 604370. Disease mechanism: loss of function.

Submissions (3):

Evidence-based Network for the Interpretation of Germline Mutant Alleles (ENIGMA)
Classification: Pathogenic for Breast-ovarian cancer, familial, susceptibility to, 1. Last evaluated: 2016-09-08. Review status: reviewed by expert panel. Criteria: ENIGMA BRCA1/2 Classification Criteria (2015). Collection method: curation. Allele origin: germline.
Comment: Variant allele predicted to encode a truncated non-functional protein.

Labcorp Genetics (formerly Invitae), Labcorp
Classification: Pathogenic for Hereditary breast ovarian cancer syndrome. Last evaluated: 2019-11-10. Review status: criteria provided, single submitter. Criteria: Invitae Variant Classification Sherloc (09022015). Collection method: clinical testing. Allele origin: germline. Not counted in ClinVar's aggregate classification.
Comment: This sequence change creates a premature translational stop signal (p.Glu259Lysfs*39) in the BRCA1 gene. It is expected to result in an absent or disrupted protein product. For these reasons, this variant has been classified as Pathogenic. Loss-of-function variants in BRCA1 are known to be pathogenic (PMID: 20104584). This variant has been observed in individual(s) with breast cancer (PMID: 26187060). ClinVar contains an entry for this variant (Variation ID: 55697). This variant is not present in population databases (ExAC no frequency).

Breast Cancer Information Core (BIC) (BRCA1)
Classification: Pathogenic for Breast-ovarian cancer, familial 1. Last evaluated: 2002-05-29. Review status: no assertion criteria provided. Collection method: clinical testing. Allele origin: germline. Affected: yes. Observed: 1 variant allele. Not counted in ClinVar's aggregate classification.

Literature cited by the submitters: PubMed 20104584 (cited by Labcorp Genetics (formerly Invitae), Labcorp); PubMed 26187060 (cited by Labcorp Genetics (formerly Invitae), Labcorp).

NM_007294.4(BRCA1):c.775del (p.Glu259fs)

Gene: BRCA1 (BRCA1 DNA repair associated; minus strand). Cytogenetic location: 17q21.31.
Variant type: Deletion.
Coding change: c.775del on transcript NM_007294.4 (MANE Select); coding-DNA position 775, one base deleted (G; older notation c.775delG).
Protein change: p.Glu259fs; shifts the reading frame from glutamic acid 259.
Molecular consequence: frameshift variant. On other transcripts: non-coding transcript variant (1).
Genome position (GRCh38, 1-based): chr17:43,094,756, C deleted on the plus strand (G on the coding strand, the reverse complement: BRCA1 is on the minus strand). VCF-style (leftmost placement, unchanged base first): chr17-43094755-TC-T. GRCh37 (hg19) VCF-style: chr17-41246772-TC-T.
Other names: 894delG; c.634delG, p.Glu212Lysfs (NM_001408461.1, NM_001408466.1, NM_001408467.1 and 42 more transcripts); c.631delG, p.Glu211Lysfs (NM_001408462.1, NM_001408463.1, NM_001408464.1 and 26 more transcripts); c.775delG, p.Glu259Lysfs (NM_001408472.1, NM_007298.4, NM_007304.2 and 52 more transcripts); c.772delG, p.Glu258Lysfs (NM_001408473.1, NM_001407587.1, NM_001407590.1 and 38 more transcripts); c.574delG, p.Glu192Lysfs (NM_001408474.1, NM_001408476.1, NM_001407862.1); c.571delG, p.Glu191Lysfs (NM_001408475.1, NM_001407874.1, NM_001407875.1); c.565delG, p.Glu189Lysfs (NM_001408478.1, NM_001408479.1, NM_001408480.1 and 25 more transcripts); and 17 more; short protein forms E212fs, E259fs.
Identifiers: ClinVar variation 55697 (VCV000055697.13), dbSNP rs80357628, ClinGen allele CA003862.